The following is an entry in ClinVar:

ClinVar aggregate classification (germline): Uncertain significance (1 of 4 stars; one submission).

Conditions:
Welander distal myopathy (WDM). Also called: Welander distal myopathy, Swedish type; Distal myopathy, Swedish type; MUSCULAR DYSTROPHY, DISTAL, LATE-ONSET, AUTOSOMAL DOMINANT; Gower's muscular dystrophy. Identifiers: Orphanet 603, MedGen C0221054, MONDO:0011466, OMIM 604454.

Allele frequency attached by ClinVar (database versions not stated): gnomAD exomes 0.00004; TOPMed 0.00005; ExAC 0.00007.
gnomAD v4.1: 27 of 826,892 alleles (0.0033%); highest among the groups gnomAD compares: Middle Eastern, 0.099%; no homozygotes.

Submission:

Labcorp Genetics (formerly Invitae), Labcorp
Classification: Uncertain significance for Welander distal myopathy. Last evaluated: 2025-07-03. Review status: criteria provided, single submitter. Criteria: Invitae Variant Classification Sherloc (09022015). Collection method: clinical testing. Allele origin: germline.
Comment: This sequence change falls in intron 3 of the TIA1 gene. It does not directly change the encoded amino acid sequence of the TIA1 protein. It affects a nucleotide within the consensus splice site. The frequency data for this variant in the population databases is considered unreliable, as metrics indicate poor data quality at this position in the gnomAD database. This variant has been observed in individual(s) with clinical features of TIA1-related conditions (internal data). ClinVar contains an entry for this variant (Variation ID: 458838). Variants that disrupt the consensus splice site are a relatively common cause of aberrant splicing (PMID: 17576681, 9536098). Algorithms developed to predict the effect of sequence changes on RNA splicing suggest that this variant is not likely to affect RNA splicing. In summary, the available evidence is currently insufficient to determine the role of this variant in disease. Therefore, it has been classified as a Variant of Uncertain Significance.

Literature cited by the submitters: PubMed 17576681; PubMed 9536098.

NM_022173.4(TIA1):c.223-3T>A

Gene: TIA1 (TIA1 cytotoxic granule associated RNA binding protein; minus strand). Cytogenetic location: 2p13.3.
Variant type: single nucleotide variant.
Coding change: c.223-3T>A on transcript NM_022173.4 (MANE Select); 3 bases into the intron before coding-DNA position 223, T replaced by A.
Molecular consequence: intron variant.
Genome position (GRCh38, 1-based): chr2:70,229,321, A>T on the plus strand (T>A on the coding strand, the complement: TIA1 is on the minus strand). VCF-style: chr2-70229321-A-T. GRCh37 (hg19) VCF-style: chr2-70456453-A-T.
Other names: c.112-3T>A (NM_001351513.1, NM_001351511.1); c.118-3T>A (NM_001351512.1); c.28-3T>A (NM_001351514.2, NM_001351523.2); c.-198-3T>A (NM_001351524.2); c.-421-3T>A (NM_001351517.2); c.223-3T>A (NM_001351510.2, NM_022037.4, NM_001351508.2 and 5 more transcripts); c.-231-3T>A (NM_001351525.2); c.-167-3T>A (NM_001351515.2); and 1 more.
Identifiers: ClinVar variation 458838 (VCV000458838.8), dbSNP rs750261656, ClinGen allele CA1697685.